The following is an entry in ClinVar:

ClinVar aggregate classification (germline): Conflicting classifications of pathogenicity. Review status: criteria provided, conflicting classifications (1 of 4 stars). 5 submissions from 5 submitters: Uncertain significance (3); Benign (1); Likely benign (1). Last evaluated 2026-07-17.

Conditions:
Amyotrophic lateral sclerosis type 4 (ALS4). Also called: AMYOTROPHIC LATERAL SCLEROSIS 4, JUVENILE; NEURONOPATHY, DISTAL HEREDITARY MOTOR, WITH PYRAMIDAL FEATURES. Identifiers: Orphanet 357043, MedGen C1865409, MONDO:0011223, OMIM 602433.
Spinocerebellar ataxia, autosomal recessive, with axonal neuropathy 2 (SCAN2). Also called: ATAXIA-OCULOMOTOR APRAXIA 2; Ataxia-ocular apraxia-2; Ataxia with Oculomotor Apraxia; Ataxia with Oculomotor Apraxia Type 2. Identifiers: Orphanet 64753, MedGen C1853761, MONDO:0018996, OMIM 606002.
Inborn genetic diseases. Identifiers: MedGen C0950123, MeSH D030342.
Hereditary spastic paraplegia. Also called: Familial spastic paraparesis. Identifiers: Orphanet 685, MedGen C0037773, MONDO:0019064. Disease mechanism: loss of function.

Allele frequency attached by ClinVar (database versions not stated): gnomAD 0.00004 and 0.00005; gnomAD exomes 0.00006; ExAC 0.00007; TOPMed 0.00007; ESP Exome Variant Server 0.00008.
gnomAD v4.1: 100 of 1,613,964 alleles (0.0062%); highest among the groups gnomAD compares: South Asian, 0.0088%; no homozygotes.

Submissions (5):

GeneDx
Classification: Uncertain significance. Last evaluated: 2026-07-17. Review status: criteria provided, single submitter. Criteria: GeneDx Variant Classification Process June 2021. Collection method: clinical testing. Allele origin: germline.
Comment: In silico analysis suggests that this missense variant does not alter protein structure/function; Has not been previously published as pathogenic or benign to our knowledge

CeGaT Center for Human Genetics Tuebingen
Classification: Likely benign. Last evaluated: 2026-06-01. Review status: criteria provided, single submitter. Criteria: CeGaT Center For Human Genetics Tuebingen Variant Classification Criteria Version 2. Collection method: clinical testing. Allele origin: germline. Affected: yes. Observed: 1 variant allele.
Comment: SETX: BP4

Ambry Genetics
Classification: Uncertain significance for Inborn genetic diseases. Last evaluated: 2025-05-25. Review status: criteria provided, single submitter. Criteria: Ambry Variant Classification Scheme 2023. Collection method: clinical testing. Allele origin: germline.

Labcorp Genetics (formerly Invitae), Labcorp
Classification: Benign for Amyotrophic lateral sclerosis type 4; Spinocerebellar ataxia, autosomal recessive, with axonal neuropathy 2. Last evaluated: 2024-10-27. Review status: criteria provided, single submitter. Criteria: Invitae Variant Classification Sherloc (09022015). Collection method: clinical testing. Allele origin: germline.

Genome Diagnostics Laboratory, The Hospital for Sick Children
Classification: Uncertain significance for Hereditary spastic paraplegia. Last evaluated: 2020-08-24. Review status: criteria provided, single submitter. Criteria: ACMG Guidelines, 2015. Collection method: clinical testing. Allele origin: germline. Affected: yes.

NM_015046.7(SETX):c.77C>T (p.Pro26Leu)

Gene: SETX (senataxin; minus strand). Cytogenetic location: 9q34.13.
Variant type: single nucleotide variant.
Coding change: c.77C>T on transcript NM_015046.7 (MANE Select); coding-DNA position 77, C replaced by T.
Protein change: p.Pro26Leu; replaces proline 26 with leucine.
Molecular consequence: missense variant.
Genome position (GRCh38, 1-based): chr9:132,349,352, G>A on the plus strand (C>T on the coding strand, the complement: SETX is on the minus strand). VCF-style: chr9-132349352-G-A. GRCh37 (hg19) VCF-style: chr9-135224739-G-A.
Other names: c.77C>T, p.Pro26Leu (NM_001351527.2, NM_001351528.2); short protein forms P26L.
Identifiers: ClinVar variation 1344028 (VCV001344028.16), dbSNP rs377617692, ClinGen allele CA5298138.